The following is an entry in ClinVar:

ClinVar aggregate classification (germline): Pathogenic/Likely pathogenic. Review status: criteria provided, multiple submitters, no conflicts (2 of 4 stars). 9 submissions from 9 submitters: Pathogenic (5); Likely pathogenic (3). 1 of the submissions does not count toward it. Last evaluated 2025-10-27.

Conditions:
SLC37A4-related disorder. Also called: SLC37A4-related condition.
Congenital disorder of glycosylation, type IIw. Identifiers: MedGen C5561986, MONDO:0030437, OMIM 619525.
Glucose-6-phosphate transport defect (GSD1B). Also called: Glycogen Storage Disease Type Ib; GSD Ib. Identifiers: Orphanet 364, Orphanet 79259, MedGen C0268146, MONDO:0009288, OMIM 232220.
Phosphate transport defect (GSD1C). Also called: GLYCOGEN STORAGE DISEASE Ic; GSD Ic. Identifiers: Orphanet 364, Orphanet 79259, MedGen C0342749, OMIM 232240.
Glycogen storage disease type 1 due to SLC37A4 mutation. Also called: Glucose-6-phosphate translocase deficiency; G6P translocase deficiency. Identifiers: MedGen C2931345, MONDO:0023258.

Allele frequency attached by ClinVar (database versions not stated): gnomAD exomes below 0.00001.

Submissions (9):

Labcorp Genetics (formerly Invitae), Labcorp
Classification: Pathogenic for Glucose-6-phosphate transport defect. Last evaluated: 2025-10-27. Review status: criteria provided, single submitter. Criteria: Invitae Variant Classification Sherloc (09022015). Collection method: clinical testing. Allele origin: germline.
Comment: This sequence change replaces arginine, which is basic and polar, with histidine, which is basic and polar, at codon 300 of the SLC37A4 protein (p.Arg300His). This variant is not present in population databases (gnomAD no frequency). This missense change has been observed in individual(s) with autosomal recessive SLC37A4-related conditions (PMID: 9781688, 15906092). In at least one individual the data is consistent with being in trans (on the opposite chromosome) from a pathogenic variant. ClinVar contains an entry for this variant (Variation ID: 68294). Invitae Evidence Modeling of protein sequence and biophysical properties (such as structural, functional, and spatial information, amino acid conservation, physicochemical variation, residue mobility, and thermodynamic stability) indicates that this missense variant is expected to disrupt SLC37A4 protein function with a positive predictive value of 80%. Experimental studies have shown that this missense change affects SLC37A4 function (PMID: 10940311, 12444104). For these reasons, this variant has been classified as Pathogenic.

Natera, Inc.
Classification: Pathogenic for Glycogen storage disease type Ib. Last evaluated: 2025-03-18. Review status: criteria provided, single submitter. Criteria: Natera Variant Classification Schema (03/2026). Collection method: clinical testing. Allele origin: germline.
Comment: The c.899G>A variant in SLC37A4 is a missense variant predicted to cause substitution of arginine to histidine at amino acid 300. This variant is rare in the general population with a frequency below the threshold expected for the associated phenotype(s). This variant has been observed in one or more individuals affected with the associated recessive disease, as either homozygous or compound heterozygous with a second variant (PMID: 33834518, 9781688, 10518030, 15906092, 31508908). Functional studies show that this variant may disrupt protein function (PMID: 10940311, 12444104). A different variant at the same position has been determined to be Pathogenic or Likely Pathogenic. Computational prediction algorithms indicate this variant is likely to affect gene or protein function. Given the available evidence, this variant is classified as Pathogenic.

Blueprint Genetics
Classification: Likely pathogenic for SLC37A4-related disorders. Last evaluated: 2024-07-19. Review status: criteria provided, single submitter. Criteria: ACMG Guidelines, 2015. Collection method: clinical testing. Allele origin: germline. Affected: yes. Observed: 4 variant alleles.

Baylor Genetics
Classification: Pathogenic for Glucose-6-phosphate transport defect. Last evaluated: 2024-01-28. Review status: criteria provided, single submitter. Criteria: ACMG Guidelines, 2015. Collection method: clinical testing. Allele origin: unknown.

Greenwood Genetic Center Diagnostic Laboratories, Greenwood Genetic Center
Classification: Pathogenic for Glucose-6-phosphate transport defect. Last evaluated: 2023-07-05. Review status: criteria provided, single submitter. Criteria: ACMG Guidelines, 2015. Collection method: clinical testing. Allele origin: germline. Affected: yes.
Comment: PS3, PM2, PM3, PM5

Fulgent Genetics
Classification: Likely pathogenic for Glucose-6-phosphate transport defect; Phosphate transport defect; Congenital disorder of glycosylation, type IIw. Last evaluated: 2022-03-02. Review status: criteria provided, single submitter. Criteria: ACMG Guidelines, 2015. Collection method: clinical testing. Allele origin: unknown.

Dasa
Classification: Pathogenic for Glycogen storage disease type 1 due to SLC37A4 mutation. Last evaluated: 2022-01-05. Review status: criteria provided, single submitter. Criteria: ACMG Guidelines, 2015. Collection method: clinical testing. Allele origin: germline. Affected: yes. Observed: 1 variant allele.
Comment: The c.899G>A;p.(Arg300His) missense variant has been observed in affected individual(s) and ClinVar contains an entry for this variant (Clinvar ID:68294; PMID: 15906092; 9781688) - PS4_moderateWell-established in vitro or in vivo functional studies support a damaging effect on the gene or gene product (PMID: 12444104; 10940311) - PS3_supporting. This variant is not present in population databases (rs193302903, gnomAD; ABraOM no frequency) - PM2. The p.(Arg300His) was detected in trans with a pathogenic variant (PMID: 15906092; 9781688) - PM3_strong. Pathogenic missense variant in this residue have been reported (ClinVar ID: 68293) - PM5. In summary, the currently available evidence indicates that the variant is pathogenic.

Mendelics
Classification: Likely pathogenic. Last evaluated: 2019-05-28. Review status: criteria provided, single submitter. Criteria: Mendelics Assertion Criteria 2017. Collection method: clinical testing. Allele origin: unknown.

UniProtKB/Swiss-Prot
No classification provided. Review status: no classification provided. Collection method: not provided. Allele origin: germline. Not counted in ClinVar's aggregate classification.

Literature cited by the submitters: PubMed 9781688 (cited by 3 submitters); PubMed 15906092 (cited by 3 submitters); PubMed 10940311 (cited by 3 submitters); PubMed 12444104 (cited by 3 submitters); PubMed 33834518 (cited by Natera, Inc.); PubMed 10518030 (cited by Natera, Inc.); PubMed 31508908 (cited by Natera, Inc.); PubMed 10508514 (cited by Dasa); PubMed 23810759 (cited by Dasa); PubMed 28394482 (cited by Dasa).

NM_001164277.2(SLC37A4):c.899G>A (p.Arg300His)

Gene: SLC37A4 (solute carrier family 37 member 4; minus strand). Cytogenetic location: 11q23.3.
Variant type: single nucleotide variant.
Coding change: c.899G>A on transcript NM_001164277.2 (MANE Select); coding-DNA position 899, G replaced by A.
Protein change: p.Arg300His; replaces arginine 300 with histidine.
Molecular consequence: missense variant.
Genome position (GRCh38, 1-based): chr11:119,026,052, C>T on the plus strand (G>A on the coding strand, the complement: SLC37A4 is on the minus strand). VCF-style: chr11-119026052-C-T. GRCh37 (hg19) VCF-style: chr11-118896762-C-T.
Other names: c.899G>A, p.Arg300His (NM_001164278.2, NM_001164280.2, NM_001467.6); c.680G>A, p.Arg227His (NM_001164279.2); short protein forms R300H, R227H.
Identifiers: ClinVar variation 68294 (VCV000068294.18), dbSNP rs193302903, ClinGen allele CA219364.